The following is an entry in ClinVar:

ClinVar aggregate classification (germline): Uncertain significance (1 of 4 stars; one submission).

Conditions:
Amyotrophic lateral sclerosis type 4 (ALS4). Also called: AMYOTROPHIC LATERAL SCLEROSIS 4, JUVENILE; NEURONOPATHY, DISTAL HEREDITARY MOTOR, WITH PYRAMIDAL FEATURES. Identifiers: Orphanet 357043, MedGen C1865409, MONDO:0011223, OMIM 602433.
Spinocerebellar ataxia, autosomal recessive, with axonal neuropathy 2 (SCAN2). Also called: ATAXIA-OCULOMOTOR APRAXIA 2; Ataxia with Oculomotor Apraxia Type 2; Ataxia-ocular apraxia-2; Ataxia with Oculomotor Apraxia. Identifiers: Orphanet 64753, MedGen C1853761, MONDO:0018996, OMIM 606002.

Submission:

Labcorp Genetics (formerly Invitae), Labcorp
Classification: Uncertain significance for Amyotrophic lateral sclerosis type 4; Spinocerebellar ataxia, autosomal recessive, with axonal neuropathy 2. Last evaluated: 2024-07-15. Review status: criteria provided, single submitter. Criteria: Invitae Variant Classification Sherloc (09022015). Collection method: clinical testing. Allele origin: germline.
Comment: This sequence change replaces asparagine, which is neutral and polar, with tyrosine, which is neutral and polar, at codon 233 of the SETX protein (p.Asn233Tyr). This variant is not present in population databases (gnomAD no frequency). This variant has not been reported in the literature in individuals affected with SETX-related conditions. Advanced modeling of protein sequence and biophysical properties (such as structural, functional, and spatial information, amino acid conservation, physicochemical variation, residue mobility, and thermodynamic stability) performed at Invitae indicates that this missense variant is not expected to disrupt SETX protein function with a negative predictive value of 95%. In summary, the available evidence is currently insufficient to determine the role of this variant in disease. Therefore, it has been classified as a Variant of Uncertain Significance.

NM_015046.7(SETX):c.697A>T (p.Asn233Tyr)

Gene: SETX (senataxin; minus strand). Cytogenetic location: 9q34.13.
Variant type: single nucleotide variant.
Coding change: c.697A>T on transcript NM_015046.7 (MANE Select); coding-DNA position 697, A replaced by T.
Protein change: p.Asn233Tyr; replaces asparagine 233 with tyrosine.
Molecular consequence: missense variant.
Genome position (GRCh38, 1-based): chr9:132,336,317, T>A on the plus strand (A>T on the coding strand, the complement: SETX is on the minus strand). VCF-style: chr9-132336317-T-A. GRCh37 (hg19) VCF-style: chr9-135211704-T-A.
Other names: c.697A>T, p.Asn233Tyr (NM_001351527.2, NM_001351528.2); short protein forms N233Y.
Identifiers: ClinVar variation 3753531 (VCV003753531.2).
Genomic context (GRCh38, chr9:132,336,317, plus strand): 5'-CGAAAATACCAATTATATTAGTGTAGGAATAATACTCACCTAACCAATAGCTTTTGTAGT[T>A]GGTAGTATCATACATGTGTGAGGGCAGAAGAATCAGTTTACCCTTCTCTAGGACAGAAGA-3'
Protein context (NP_055861.3, residues 223-243): LLPSHMYDTT[Asn233Tyr]YKSYWLGICM